The following is an entry in ClinVar:

ClinVar aggregate classification (germline): Conflicting classifications of pathogenicity. Review status: criteria provided, conflicting classifications (1 of 4 stars). 2 submissions from 2 submitters: Uncertain significance (1); Likely benign (1). Last evaluated 2025-09-03.

Allele frequency attached by ClinVar (database versions not stated): gnomAD 0.00007; TOPMed 0.00003; gnomAD exomes 0.00007; ExAC 0.00011.
gnomAD v4.1: 119 of 1,613,058 alleles (0.0074%); highest among the groups gnomAD compares: Non-Finnish European, 0.0078%; no homozygotes.

Submissions (2):

Women's Health and Genetics/Laboratory Corporation of America, LabCorp
Classification: Uncertain significance. Last evaluated: 2025-09-03. Review status: criteria provided, single submitter. Criteria: LabCorp Variant Classification Summary - May 2015. Collection method: clinical testing. Allele origin: germline.
Comment: Variant summary: INSR c.2084A>G (p.Gln695Arg) results in a conservative amino acid change in the encoded protein sequence. Algorithms developed to predict the effect of missense changes on protein structure and function are either unavailable or do not agree on the potential impact of this missense change. The variant allele was found at a frequency of 8.8e-05 in 251320 control chromosomes. This frequency is not significantly higher than estimated for disease-causing variants in INSR, allowing no conclusion about variant significance. c.2084A>G has been reported as a polymorphism in at least one individual affected with Donohue syndrome and in at least one individual affected with preexisting pregestational diabetes (e.g. Siala-Sahnoun_2016, Zubkova_2019). These report(s) do not provide unequivocal conclusions about association of the variant with Hyperinsulinemic Hypoglycemia Familial 5. To our knowledge, no experimental evidence demonstrating an impact on protein function has been reported. The following publications have been ascertained in the context of this evaluation (PMID: 26874853, 30663027). ClinVar contains an entry for this variant (Variation ID: 2884081). Based on the evidence outlined above, the variant was classified as uncertain significance.

Labcorp Genetics (formerly Invitae), Labcorp
Classification: Likely benign. Last evaluated: 2025-08-04. Review status: criteria provided, single submitter. Criteria: Invitae Variant Classification Sherloc (09022015). Collection method: clinical testing. Allele origin: germline.

Literature cited by the submitters: PubMed 30663027 (cited by Women's Health and Genetics/Laboratory Corporation of America, LabCorp); PubMed 26874853 (cited by Women's Health and Genetics/Laboratory Corporation of America, LabCorp).

NM_000208.4(INSR):c.2084A>G (p.Gln695Arg)

Gene: INSR (insulin receptor; minus strand). Cytogenetic location: 19p13.2.
Variant type: single nucleotide variant.
Coding change: c.2084A>G on transcript NM_000208.4 (MANE Select); coding-DNA position 2084, A replaced by G.
Protein change: p.Gln695Arg; replaces glutamine 695 with arginine.
Molecular consequence: missense variant.
Genome position (GRCh38, 1-based): chr19:7,152,873, T>C on the plus strand (A>G on the coding strand, the complement: INSR is on the minus strand). VCF-style: chr19-7152873-T-C. GRCh37 (hg19) VCF-style: chr19-7152884-T-C.
Other names: c.2084A>G, p.Gln695Arg (NM_001079817.3); short protein forms Q695R.
Identifiers: ClinVar variation 2884081 (VCV002884081.4), dbSNP rs55906835, ClinGen allele CA9135670.